The following is an entry in ClinVar:

NM_031229.4(RBCK1):c.1452+6T>C

Gene: RBCK1 (RANBP2-type and C3HC4-type zinc finger containing 1; plus strand). Cytogenetic location: 20p13.
Variant type: single nucleotide variant.
Coding change: c.1452+6T>C on transcript NM_031229.4 (MANE Select); 6 bases into the intron after coding-DNA position 1452, T replaced by C.
Molecular consequence: intron variant.
Genome position (GRCh38, 1-based): chr20:429,100, T>C. VCF-style: chr20-429100-T-C. GRCh37 (hg19) VCF-style: chr20-409744-T-C.
Other names: c.942+6T>C (NM_001323956.2, NM_001323958.2); c.1326+6T>C (NM_006462.6).
Identifiers: ClinVar variation 1505460 (VCV001505460.6), dbSNP rs2122339130, ClinGen allele CA2573156884.

ClinVar aggregate classification (germline): Uncertain significance (1 of 4 stars; one submission).

Conditions:
Polyglucosan body myopathy type 1 (PGBM1). Also called: Polyglucosan body myopathy 1 with or without immunodeficiency; POLYGLUCOSAN BODY MYOPATHY WITHOUT IMMUNODEFICIENCY. Identifiers: Orphanet 329173, Orphanet 397937, MedGen C4014605, MONDO:0014389, OMIM 615895.

Submission:

Labcorp Genetics (formerly Invitae), Labcorp
Classification: Uncertain significance for Polyglucosan body myopathy type 1. Last evaluated: 2021-03-25. Review status: criteria provided, single submitter. Criteria: Invitae Variant Classification Sherloc (09022015). Collection method: clinical testing. Allele origin: germline.
Comment: In summary, the available evidence is currently insufficient to determine the role of this variant in disease. Therefore, it has been classified as a Variant of Uncertain Significance. Nucleotide substitutions within the consensus splice site are a relatively common cause of aberrant splicing (PMID: 17576681, 9536098). Experimental studies and prediction algorithms are not available or were not evaluated, and the effect of this variant on mRNA splicing is currently unknown. This variant has not been reported in the literature in individuals with RBCK1-related conditions. This variant is not present in population databases (ExAC no frequency). This sequence change falls in intron 11 of the RBCK1 gene. It does not directly change the encoded amino acid sequence of the RBCK1 protein. It affects a nucleotide within the consensus splice site of the intron.

Literature cited by the submitters: PubMed 17576681; PubMed 9536098.